The following is an entry in ClinVar:

ClinVar aggregate classification (germline): Uncertain significance (1 of 4 stars; one submission).

gnomAD v4.1: 1 of 1,613,980 alleles (0.000062%); highest among the groups gnomAD compares: Non-Finnish European, 0.000085%; no homozygotes.

Submission:

GeneDx
Classification: Uncertain significance. Last evaluated: 2024-06-21. Review status: criteria provided, single submitter. Criteria: GeneDx Variant Classification Process June 2021. Collection method: clinical testing. Allele origin: germline. Affected: yes.
Comment: Not observed at significant frequency in large population cohorts (gnomAD); In silico analysis supports that this missense variant has a deleterious effect on protein structure/function; Has not been previously published as pathogenic or benign to our knowledge

NM_015662.3(IFT172):c.2794G>A (p.Glu932Lys)

Genes: IFT172 (intraflagellar transport 172; minus strand), LOC126806174 (CDK7 strongly-dependent group 2 enhancer GRCh37_chr2:27681686-27682885; plus strand). Cytogenetic location: 2p23.3.
Variant type: single nucleotide variant.
Coding change: c.2794G>A on transcript NM_015662.3 (MANE Select); coding-DNA position 2794, G replaced by A.
Protein change: p.Glu932Lys; replaces glutamic acid 932 with lysine.
Molecular consequence: missense variant.
Genome position (GRCh38, 1-based): chr2:27,458,862, C>T on the plus strand (G>A on the coding strand, the complement: IFT172 is on the minus strand). VCF-style: chr2-27458862-C-T. GRCh37 (hg19) VCF-style: chr2-27681729-C-T.
Other names: c.2728G>A, p.Glu910Lys (NM_001410739.1); short protein forms E910K, E932K.
Identifiers: ClinVar variation 3392676 (VCV003392676.1).